The following is an entry in ClinVar:

NM_016589.4(TIMMDC1):c.536T>G (p.Phe179Cys)

Gene: TIMMDC1 (translocase of inner mitochondrial membrane domain containing 1; plus strand). Cytogenetic location: 3q13.33.
Variant type: single nucleotide variant.
Coding change: c.536T>G on transcript NM_016589.4 (MANE Select); coding-DNA position 536, T replaced by G.
Protein change: p.Phe179Cys; replaces phenylalanine 179 with cysteine.
Molecular consequence: missense variant.
Genome position (GRCh38, 1-based): chr3:119,513,659, T>G. VCF-style: chr3-119513659-T-G. GRCh37 (hg19) VCF-style: chr3-119232506-T-G.
Other names: short protein forms F179C.
Identifiers: ClinVar variation 2021151 (VCV002021151.4), dbSNP rs752068330, ClinGen allele CA2555278.

ClinVar aggregate classification (germline): Uncertain significance (1 of 4 stars; one submission).

Allele frequency attached by ClinVar (database versions not stated): TOPMed below 0.00001; ExAC 0.00001; gnomAD exomes 0.00001.
gnomAD v4.1: 10 of 1,613,450 alleles (0.00062%); highest among the groups gnomAD compares: Non-Finnish European, 0.00085%; no homozygotes.

Submission:

Labcorp Genetics (formerly Invitae), Labcorp
Classification: Uncertain significance. Last evaluated: 2024-10-28. Review status: criteria provided, single submitter. Criteria: Invitae Variant Classification Sherloc (09022015). Collection method: clinical testing. Allele origin: germline.
Comment: This sequence change replaces phenylalanine, which is neutral and non-polar, with cysteine, which is neutral and slightly polar, at codon 179 of the TIMMDC1 protein (p.Phe179Cys). This variant is present in population databases (rs752068330, gnomAD 0.003%). This variant has not been reported in the literature in individuals affected with TIMMDC1-related conditions. ClinVar contains an entry for this variant (Variation ID: 2021151). Invitae Evidence Modeling of protein sequence and biophysical properties (such as structural, functional, and spatial information, amino acid conservation, physicochemical variation, residue mobility, and thermodynamic stability) indicates that this missense variant is expected to disrupt TIMMDC1 protein function with a positive predictive value of 80%. In summary, the available evidence is currently insufficient to determine the role of this variant in disease. Therefore, it has been classified as a Variant of Uncertain Significance.